The following is an entry in ClinVar:

NM_004360.5(CDH1):c.1003C>G (p.Arg335Gly)

Gene: CDH1 (cadherin 1; plus strand). Cytogenetic location: 16q22.1.
Variant type: single nucleotide variant.
Coding change: c.1003C>G on transcript NM_004360.5 (MANE Select); coding-DNA position 1003, C replaced by G.
Protein change: p.Arg335Gly; replaces arginine 335 with glycine.
Molecular consequence: missense variant. On other transcripts: 5 prime UTR variant (2).
Genome position (GRCh38, 1-based): chr16:68,811,854, C>G. VCF-style: chr16-68811854-C-G. GRCh37 (hg19) VCF-style: chr16-68845757-C-G.
Other names: c.1003C>G, p.Arg335Gly (NM_001317184.2); c.-613C>G (NM_001317185.2); c.-817C>G (NM_001317186.2); c.1003C>G (LRG_301t1); short protein forms R335G.
Identifiers: ClinVar variation 567658 (VCV000567658.15), dbSNP rs587780784, ClinGen allele CA8129959.
Genomic context (GRCh38, chr16:68,811,854, plus strand): 5'-AATATGTTCACCATTAACAGGAACACAGGAGTCATCAGTGTGGTCACCACTGGGCTGGAC[C>G]GAGAGGTCAGGGGTCAGGAGGATCCAGAGGGTGTGGAGGACAAATGTGTATTAGCTCAAT-3'
Protein context (NP_004351.1, residues 325-345): VISVVTTGLD[Arg335Gly]ESFPTYTLVV

ClinVar aggregate classification (germline): Uncertain significance. Review status: criteria provided, multiple submitters, no conflicts (2 of 4 stars). 4 submissions from 4 submitters: Uncertain significance (4). Last evaluated 2025-10-16.

Conditions:
Hereditary diffuse gastric adenocarcinoma (HDGC). Also called: DIFFUSE GASTRIC AND LOBULAR BREAST CANCER SYNDROME. Identifiers: Orphanet 26106, MedGen C1708349, MONDO:0007648, OMIM 137215.
Hereditary cancer-predisposing syndrome. Also called: Neoplastic Syndromes, Hereditary; Tumor predisposition; Hereditary Cancer Syndrome; Hereditary neoplastic syndrome. Identifiers: Orphanet 140162, MedGen C0027672, MeSH D009386, MONDO:0015356.
Familial cancer of breast. Also called: Hereditary breast cancer; BREAST CANCER, FAMILIAL; hereditary breast carcinoma. Identifiers: Orphanet 227535, MedGen C0346153, MONDO:0016419, OMIM 114480. Disease mechanism: loss of function.

Allele frequency attached by ClinVar (database versions not stated): ExAC 0.00001.
gnomAD v4.1: 6 of 1,614,050 alleles (0.00037%); highest among the groups gnomAD compares: Admixed American, 0.01%; no homozygotes.

Submissions (4):

Labcorp Genetics (formerly Invitae), Labcorp
Classification: Uncertain significance for Hereditary diffuse gastric adenocarcinoma. Last evaluated: 2025-10-16. Review status: criteria provided, single submitter. Criteria: Invitae Variant Classification Sherloc (09022015). Collection method: clinical testing. Allele origin: germline.
Comment: This sequence change replaces arginine, which is basic and polar, with glycine, which is neutral and non-polar, at codon 335 of the CDH1 protein (p.Arg335Gly). This variant is present in population databases (rs587780784, gnomAD 0.01%). This variant has not been reported in the literature in individuals affected with CDH1-related conditions. ClinVar contains an entry for this variant (Variation ID: 567658). An algorithm developed to predict the effect of missense changes on protein structure and function (PolyPhen-2) suggests that this variant is likely to be disruptive. In summary, the available evidence is currently insufficient to determine the role of this variant in disease. Therefore, it has been classified as a Variant of Uncertain Significance.

GeneDx
Classification: Uncertain significance. Last evaluated: 2024-04-02. Review status: criteria provided, single submitter. Criteria: GeneDx Variant Classification Process June 2021. Collection method: clinical testing. Allele origin: germline. Affected: yes.
Comment: Not observed at significant frequency in large population cohorts (gnomAD); In silico analysis supports that this missense variant has a deleterious effect on protein structure/function; Has not been previously published as pathogenic or benign to our knowledge; This variant is associated with the following publications: (PMID: 15235021, 22850631)

Ambry Genetics
Classification: Uncertain significance for Hereditary cancer-predisposing syndrome. Last evaluated: 2023-11-16. Review status: criteria provided, single submitter. Criteria: Ambry Variant Classification Scheme 2023. Collection method: clinical testing. Allele origin: germline.
Comment: The p.R335G variant (also known as c.1003C>G), located in coding exon 7 of the CDH1 gene, results from a C to G substitution at nucleotide position 1003. The arginine at codon 335 is replaced by glycine, an amino acid with dissimilar properties. This amino acid position is highly conserved in available vertebrate species. In addition, this alteration is predicted to be deleterious by in silico analysis. Since supporting evidence is limited at this time, the clinical significance of this alteration remains unclear.

Baylor Genetics
Classification: Uncertain significance for Familial cancer of breast. Last evaluated: 2023-10-16. Review status: criteria provided, single submitter. Criteria: ACMG Guidelines, 2015. Collection method: clinical testing. Allele origin: unknown.